The following is an entry in ClinVar:

ClinVar aggregate classification (germline): Conflicting classifications of pathogenicity. Review status: criteria provided, conflicting classifications (1 of 4 stars). 8 submissions from 8 submitters: Uncertain significance (6); Benign (1); Likely benign (1). Last evaluated 2025-12-21.

Conditions:
Hereditary nonpolyposis colorectal neoplasms. Identifiers: MedGen C0009405, MeSH D003123.
Lynch syndrome. Identifiers: Orphanet 144, MedGen C4552100, MONDO:0005835. Disease mechanism: loss of function.
Hereditary cancer-predisposing syndrome. Also called: Neoplastic Syndromes, Hereditary; Tumor predisposition; Hereditary Cancer Syndrome; Hereditary neoplastic syndrome. Identifiers: Orphanet 140162, MedGen C0027672, MeSH D009386, MONDO:0015356.

Allele frequency attached by ClinVar (database versions not stated): gnomAD exomes 0.00001; gnomAD 0.00002; TOPMed 0.00003.
gnomAD v4.1: 23 of 1,611,668 alleles (0.0014%); highest among the groups gnomAD compares: East Asian, 0.0022%; no homozygotes.

Submissions (8):

Labcorp Genetics (formerly Invitae), Labcorp
Classification: Benign for Hereditary nonpolyposis colorectal neoplasms. Last evaluated: 2025-12-21. Review status: criteria provided, single submitter. Criteria: Invitae Variant Classification Sherloc (09022015). Collection method: clinical testing. Allele origin: germline.

Color Diagnostics, LLC DBA Color Health
Classification: Uncertain significance for Hereditary cancer-predisposing syndrome. Last evaluated: 2025-07-11. Review status: criteria provided, single submitter. Criteria: ACMG Guidelines, 2015. Collection method: clinical testing. Allele origin: germline.
Comment: This missense variant replaces glutamine with lysine at codon 145 of the PMS2 protein. Computational prediction suggests that this variant may not impact protein structure and function. To our knowledge, functional studies have not been reported for this variant. This variant has been detected in an individual affected with an unspecified Lynch syndrome-associated cancer (PMID: 31391288). This variant has been identified in 1/31404 chromosomes in the general population by the Genome Aggregation Database (gnomAD). The available evidence is insufficient to determine the role of this variant in disease conclusively. Therefore, this variant is classified as a Variant of Uncertain Significance.

Genetic Services Laboratory, University of Chicago
Classification: Uncertain significance. Last evaluated: 2024-03-25. Review status: criteria provided, single submitter. Criteria: ACMG Guidelines, 2015. Collection method: clinical testing. Allele origin: germline. Affected: no.
Comment: DNA sequence analysis of the PMS2 gene demonstrated a sequence change, c.433C>A, in exon 5 that results in an amino acid change, p.Gln145Lys. This sequence change has been described in an individual with an unspecified Lynch-syndrome associated cancer (PMID: 31391288). This sequence change has been described in the gnomAD database in one individual which corresponds to a population frequency of 0.003% (dbSNP rs786204133). The p.Gln145Lys change affects a moderately conserved amino acid residue located in a domain of the PMS2 protein that is known to be functional. The p.Gln145Lys substitution appears to be benign using several in-silico pathogenicity prediction tools (SIFT, PolyPhen2, Align GVGD, REVEL). Due to insufficient evidences and the lack of functional studies, the clinical significance of the p.Gln145Lys change remains unknown at this time.

All of Us Research Program, National Institutes of Health
Classification: Uncertain significance for Lynch syndrome. Last evaluated: 2023-12-01. Review status: criteria provided, single submitter. Criteria: ACMG Guidelines, 2015. Collection method: clinical testing. Allele origin: germline. Inheritance: Autosomal dominant inheritance. Observed: 7 variant alleles, 7 heterozygotes.
Comment: This missense variant replaces glutamine with lysine at codon 145 of the PMS2 protein. Computational prediction suggests that this variant may not impact protein structure and function (internally defined REVEL score threshold <= 0.5, PMID: 27666373). To our knowledge, functional studies have not been reported for this variant. This variant has been detected in an individual affected with an unspecified Lynch syndrome-associated cancer (PMID: 31391288). In a large breast cancer case-control study, this variant was reported in 2/60466 cases and 1/53461 unaffected controls (PMID: 33471991). This variant has been identified in 1/31404 chromosomes in the general population by the Genome Aggregation Database (gnomAD). The available evidence is insufficient to determine the role of this variant in disease conclusively. Therefore, this variant is classified as a Variant of Uncertain Significance.

This study involves interpretation of variants in research participants for the purpose of population health screening. Participant phenotype was not available at the time of variant classification. Additional details can be found in publication PMID: 35346344, PMCID: PMC8962531

Sema4
Classification: Uncertain significance for Hereditary cancer-predisposing syndrome. Last evaluated: 2022-03-18. Review status: criteria provided, single submitter. Criteria: Sema4 Curation Guidelines. Collection method: curation. Allele origin: germline.
Comment: The PMS2 c.433C>A (p.Q145K) variant has been reported in individuals with breast, ovarian, endometrial or colorectal cancer as well as in a control (PMID: 33471991, 31391288). It was observed in 1/15430 chromosomes of the Non-Finnish European subpopulation in the large and broad cohorts of the Genome Aggregation Database (PMID: 32461654). The variant has been reported in ClinVar (Variation ID 188191). Functional studies have not been performed, and in silico predictions of the variant's effect on protein function are inconclusive. The evidence is insufficient to meet ACMG/AMP criteria for classifying the variant as benign or pathogenic. Thus, the clinical significance of this variant is currently uncertain.

GeneDx
Classification: Uncertain significance. Last evaluated: 2021-11-29. Review status: criteria provided, single submitter. Criteria: GeneDx Variant Classification Process June 2021. Collection method: clinical testing. Allele origin: germline. Affected: yes.
Comment: Not observed at a significant frequency in large population cohorts (Lek 2016); In silico analysis, which includes protein predictors and evolutionary conservation, supports that this variant does not alter protein structure/function; Observed in an individual with unspecified cancer who underwent multigene panel testing for Lynch syndrome (Li 2019); This variant is associated with the following publications: (PMID: 11574484, 31391288)

Ambry Genetics
Classification: Likely benign for Hereditary cancer-predisposing syndrome. Last evaluated: 2020-02-07. Review status: criteria provided, single submitter. Criteria: Ambry Variant Classification Scheme 2023. Collection method: clinical testing. Allele origin: germline.

Women's Health and Genetics/Laboratory Corporation of America, LabCorp
Classification: Uncertain significance. Last evaluated: 2017-03-20. Review status: criteria provided, single submitter. Criteria: LabCorp Variant Classification Summary - May 2015. Collection method: clinical testing. Allele origin: germline.
Comment: Variant summary: The PMS2 c.433C>A (p.Gln145Lys) variant involves the alteration of a conserved nucleotide. 2/3 in silico tools predict a benign outcome for this variant (SNPs&GO not captured due to low reliability index). This variant is absent in 121284 control chromosomes. In addition, multiple clinical diagnostic laboratories/reputable databases classified this variant as uncertain significance. The variant of interest has not, to our knowledge, been reported in affected individuals via publications; nor evaluated for functional impact by in vivo/vitro studies. Because of the absence of clinical information and the lack of functional studies, the variant is classified as a variant of uncertain significance (VUS) until additional information becomes available.

Literature cited by the submitters: PubMed 31391288 (cited by 4 submitters); PubMed 33471991 (cited by All of Us Research Program, National Institutes of Health and Sema4); PubMed 22949387 (cited by Ambry Genetics).

NM_000535.7(PMS2):c.433C>A (p.Gln145Lys)

Gene: PMS2 (PMS1 homolog 2, mismatch repair system component; minus strand). Cytogenetic location: 7p22.1.
Variant type: single nucleotide variant.
Coding change: c.433C>A on transcript NM_000535.7 (MANE Select); coding-DNA position 433, C replaced by A.
Protein change: p.Gln145Lys; replaces glutamine 145 with lysine.
Molecular consequence: missense variant. On other transcripts: 5 prime UTR variant (2), non-coding transcript variant (1).
Genome position (GRCh38, 1-based): chr7:6,002,557, G>T on the plus strand (C>A on the coding strand, the complement: PMS2 is on the minus strand). VCF-style: chr7-6002557-G-T. GRCh37 (hg19) VCF-style: chr7-6042188-G-T.
Other names: c.28C>A, p.Gln10Lys (NM_001322003.2, NM_001322004.2, NM_001322005.2 and 3 more transcripts); c.433C>A, p.Gln145Lys (NM_001322006.2, NM_001322014.2); c.115C>A, p.Gln39Lys (NM_001322007.2, NM_001322008.2); c.-452C>A (NM_001322011.2, NM_001322012.2); c.124C>A, p.Gln42Lys (NM_001322015.2); short protein forms Q145K, Q10K, Q39K, Q42K.
Identifiers: ClinVar variation 188191 (VCV000188191.27), dbSNP rs786204133, ClinGen allele CA012095.